The following is an entry in ClinVar:

ClinVar aggregate classification (germline): Likely benign (1 of 4 stars; one submission).

Conditions:
Hyperinsulinism-hyperammonemia syndrome (HHF6). Identifiers: Orphanet 35878, MedGen C1847555, MONDO:0011717, OMIM 606762.

Allele frequency attached by ClinVar (database versions not stated): gnomAD 0.00801 and 0.00846; TOPMed 0.00852; 1000 Genomes Project 30x 0.00984; 1000 Genomes Project 0.01018.

Submission:

Illumina Laboratory Services, Illumina
Classification: Likely benign for Hyperinsulinism-hyperammonemia syndrome. Last evaluated: 2018-01-12. Review status: criteria provided, single submitter. Criteria: ICSL Variant Classification Criteria 13 December 2019. Collection method: clinical testing. Allele origin: germline.
Comment: This variant was observed in the ICSL laboratory as part of a predisposition screen in an ostensibly healthy population. It had not been previously curated by ICSL or reported in the Human Gene Mutation Database (HGMD: prior to June 1st, 2018), and was therefore a candidate for classification through an automated scoring system. Utilizing variant allele frequency, disease prevalence and penetrance estimates, and inheritance mode, an automated score was calculated to assess if this variant is too frequent to cause the disease. Based on the score and internal cut-off values, a variant classified as likely benign is not then subjected to further curation. The score for this variant resulted in a classification of likely benign for this disease.

NM_005271.5(GLUD1):c.*852A>G

Gene: GLUD1 (glutamate dehydrogenase 1; minus strand). Cytogenetic location: 10q23.2.
Variant type: single nucleotide variant.
Coding change: c.*852A>G on transcript NM_005271.5 (MANE Select); 852 bases downstream of the stop codon, A replaced by G.
Molecular consequence: 3 prime UTR variant.
Genome position (GRCh38, 1-based): chr10:87,050,899, T>C on the plus strand (A>G on the coding strand, the complement: GLUD1 is on the minus strand). VCF-style: chr10-87050899-T-C. GRCh37 (hg19) VCF-style: chr10-88810656-T-C.
Other names: c.*852A>G (NM_001318900.1, NM_001318901.1, NM_001318902.1 and 3 more transcripts).
Identifiers: ClinVar variation 301383 (VCV000301383.5), dbSNP rs150260124, ClinGen allele CA10636348.